The following is an entry in ClinVar:

ClinVar aggregate classification (germline): Uncertain significance. Review status: criteria provided, multiple submitters, no conflicts (2 of 4 stars). 2 submissions from 2 submitters: Uncertain significance (2). Last evaluated 2025-12-16.

Conditions:
Carney complex, type 1 (CNC1). Also called: CARNEY MYXOMA-ENDOCRINE COMPLEX; CARNEY COMPLEX, TYPE I. Identifiers: Orphanet 1359, MedGen C2607929, MONDO:0008057, OMIM 160980.
Hereditary cancer-predisposing syndrome. Also called: Tumor predisposition; Hereditary neoplastic syndrome; Neoplastic Syndromes, Hereditary; Hereditary Cancer Syndrome. Identifiers: Orphanet 140162, MedGen C0027672, MeSH D009386, MONDO:0015356.

Allele frequency attached by ClinVar (database versions not stated): gnomAD exomes below 0.00001 and 0.00001; TOPMed 0.00001; ExAC 0.00002; gnomAD 0.00002.
gnomAD v4.1: 5 of 1,613,592 alleles (0.00031%); highest among the groups gnomAD compares: African/African-American, 0.004%; no homozygotes.

Submissions (2):

Labcorp Genetics (formerly Invitae), Labcorp
Classification: Uncertain significance for Carney complex, type 1. Last evaluated: 2025-12-16. Review status: criteria provided, single submitter. Criteria: Invitae Variant Classification Sherloc (09022015). Collection method: clinical testing. Allele origin: germline.
Comment: This sequence change replaces asparagine, which is neutral and polar, with aspartic acid, which is acidic and polar, at codon 26 of the PRKAR1A protein (p.Asn26Asp). This variant is present in population databases (rs774277428, gnomAD 0.008%). This variant has not been reported in the literature in individuals affected with PRKAR1A-related conditions. ClinVar contains an entry for this variant (Variation ID: 1427404). Invitae Evidence Modeling of protein sequence and biophysical properties (such as structural, functional, and spatial information, amino acid conservation, physicochemical variation, residue mobility, and thermodynamic stability) indicates that this missense variant is not expected to disrupt PRKAR1A protein function with a negative predictive value of 95%. In summary, the available evidence is currently insufficient to determine the role of this variant in disease. Therefore, it has been classified as a Variant of Uncertain Significance.

Ambry Genetics
Classification: Uncertain significance for Hereditary cancer-predisposing syndrome. Last evaluated: 2024-09-12. Review status: criteria provided, single submitter. Criteria: Ambry Variant Classification Scheme 2023. Collection method: clinical testing. Allele origin: germline.
Comment: The p.N26D variant (also known as c.76A>G), located in coding exon 1 of the PRKAR1A gene, results from an A to G substitution at nucleotide position 76. The asparagine at codon 26 is replaced by aspartic acid, an amino acid with highly similar properties. This amino acid position is highly conserved in available vertebrate species. In addition, the in silico prediction for this alteration is inconclusive. Based on the available evidence, the clinical significance of this variant remains unclear.

NM_002734.5(PRKAR1A):c.76A>G (p.Asn26Asp)

Gene: PRKAR1A (protein kinase cAMP-dependent type I regulatory subunit alpha; plus strand). Cytogenetic location: 17q24.2.
Variant type: single nucleotide variant.
Coding change: c.76A>G on transcript NM_002734.5 (MANE Select); coding-DNA position 76, A replaced by G.
Protein change: p.Asn26Asp; replaces asparagine 26 with aspartic acid.
Molecular consequence: missense variant.
Genome position (GRCh38, 1-based): chr17:68,515,475, A>G. VCF-style: chr17-68515475-A-G. GRCh37 (hg19) VCF-style: chr17-66511616-A-G.
Other names: c.76A>G, p.Asn26Asp (NM_001276289.2, NM_001276290.1, NM_001278433.2 and 4 more transcripts); short protein forms N26D.
Identifiers: ClinVar variation 1427404 (VCV001427404.11), dbSNP rs774277428, ClinGen allele CA8729153.